The following is an entry in ClinVar:

ClinVar aggregate classification (germline): Benign (0 of 4 stars; one submission).

Conditions:
FSIP2-related disorder. Also called: FSIP2-related condition.

Allele frequency attached by ClinVar (database versions not stated): TOPMed 0.53166; 1000 Genomes Project 30x 0.53873; 1000 Genomes Project 0.53994; gnomAD exomes 0.54218; gnomAD 0.54399; ExAC 0.58569.

Submission:

PreventionGenetics, part of Exact Sciences
Classification: Benign for FSIP2-related condition. Last evaluated: 2019-10-17. Review status: no assertion criteria provided. Collection method: clinical testing. Allele origin: germline.
Comment: This variant is classified as benign based on ACMG/AMP sequence variant interpretation guidelines (Richards et al. 2015 PMID: 25741868, with internal and published modifications).

NM_173651.4(FSIP2):c.5093T>C (p.Met1698Thr)

Genes: FSIP2 (fibrous sheath interacting protein 2; plus strand), FSIP2-AS1 (FSIP2 antisense RNA 1; minus strand). Cytogenetic location: 2q32.1.
Variant type: single nucleotide variant.
Coding change: c.5093T>C on transcript NM_173651.4 (MANE Select); coding-DNA position 5093, T replaced by C.
Protein change: p.Met1698Thr; replaces methionine 1698 with threonine.
Molecular consequence: missense variant.
Genome position (GRCh38, 1-based): chr2:185,792,229, T>C. VCF-style: chr2-185792229-T-C. GRCh37 (hg19) VCF-style: chr2-186656956-T-C.
Other names: short protein forms M1698T.
Identifiers: ClinVar variation 3060901 (VCV003060901.2), dbSNP rs17229201, ClinGen allele CA2016685.